The following is an entry in ClinVar:

ClinVar aggregate classification (germline): Likely benign. Review status: criteria provided, multiple submitters, no conflicts (2 of 4 stars). 3 submissions from 3 submitters: Likely benign (3). Last evaluated 2025-10-17.

Conditions:
Sucrase-isomaltase deficiency (CSID). Also called: Congenital sucrose isomaltose malabsorption; Sucrose isomaltose enzyme deficiency; Deficiency of isomaltase; SI DEFICIENCY. Identifiers: Orphanet 35122, MedGen C1283620, MONDO:0009114, OMIM 222900.

Allele frequency attached by ClinVar (database versions not stated): gnomAD 0.00001 and 0.00003; gnomAD exomes 0.00002 and 0.00008; ExAC 0.00005; 1000 Genomes Project 0.00040; 1000 Genomes Project 30x 0.00047.
gnomAD v4.1: 49 of 1,609,066 alleles (0.003%); highest among the groups gnomAD compares: East Asian, 0.043%; no homozygotes.

Submissions (3):

Labcorp Genetics (formerly Invitae), Labcorp
Classification: Likely benign. Last evaluated: 2025-10-17. Review status: criteria provided, single submitter. Criteria: Invitae Variant Classification Sherloc (09022015). Collection method: clinical testing. Allele origin: germline.

Mayo Clinic Laboratories, Mayo Clinic
Classification: Likely benign. Last evaluated: 2025-09-22. Review status: criteria provided, single submitter. Criteria: ACMG Guidelines, 2015. Collection method: clinical testing. Allele origin: germline. Observed: 1 variant allele.
Comment: BP4, BP7

Fulgent Genetics
Classification: Likely benign for Sucrase-isomaltase deficiency. Last evaluated: 2022-03-07. Review status: criteria provided, single submitter. Criteria: ACMG Guidelines, 2015. Collection method: clinical testing. Allele origin: unknown.

NM_001041.4(SI):c.2862G>A (p.Lys954=)

Gene: SI (sucrase-isomaltase; minus strand). Cytogenetic location: 3q26.1.
Variant type: single nucleotide variant.
Coding change: c.2862G>A on transcript NM_001041.4 (MANE Select); coding-DNA position 2862, G replaced by A.
Protein change: p.Lys954=; no amino-acid change (lysine 954 retained).
Molecular consequence: synonymous variant.
Genome position (GRCh38, 1-based): chr3:165,030,742, C>T on the plus strand (G>A on the coding strand, the complement: SI is on the minus strand). VCF-style: chr3-165030742-C-T. GRCh37 (hg19) VCF-style: chr3-164748530-C-T.
Other names: p.Lys954=.
Identifiers: ClinVar variation 1623629 (VCV001623629.10), dbSNP rs377552984, ClinGen allele CA2690483.
Genomic context (GRCh38, chr3:165,030,742, plus strand): 5'-ATCATGAGTAATAGTTAAAATTATTATTACCGTTCTCCATACACAGCCACGTTGTGTGCA[C>T]TTTTGTTCAGTTGCCAAATCTGCATCTGGATAACAATTAAATCTTTCATTTTCTGAGAAA-3'
Protein context (NP_001032.2, residues 944-964): YPDADLATEQ[Lys954=]CTQRGCVWRT